The following is an entry in ClinVar:

NM_020987.5(ANK3):c.11732C>T (p.Ser3911Phe)

Gene: ANK3 (ankyrin 3; minus strand). Cytogenetic location: 10q21.2.
Variant type: single nucleotide variant.
Coding change: c.11732C>T on transcript NM_020987.5 (MANE Select); coding-DNA position 11732, C replaced by T.
Protein change: p.Ser3911Phe; replaces serine 3911 with phenylalanine.
Molecular consequence: missense variant. On other transcripts: intron variant (4).
Genome position (GRCh38, 1-based): chr10:60,069,149, G>A on the plus strand (C>T on the coding strand, the complement: ANK3 is on the minus strand). VCF-style: chr10-60069149-G-A. GRCh37 (hg19) VCF-style: chr10-61828907-G-A.
Other names: c.4388-1140C>T (NM_001204403.2); c.4409-1140C>T (NM_001204404.2); c.4406-1140C>T (NM_001320874.2); c.1808-1140C>T (NM_001149.4); short protein forms S3911F.
Identifiers: ClinVar variation 4071712 (VCV004071712.1).

ClinVar aggregate classification (germline): Uncertain significance (1 of 4 stars; one submission).

Submission:

GeneDx
Classification: Uncertain significance. Last evaluated: 2025-01-22. Review status: criteria provided, single submitter. Criteria: GeneDx Variant Classification Process June 2021. Collection method: clinical testing. Allele origin: germline. Affected: yes.
Comment: Not observed at significant frequency in large population cohorts (gnomAD); In silico analysis supports that this missense variant has a deleterious effect on protein structure/function; Has not been previously published as pathogenic or benign to our knowledge